The following is an entry in ClinVar:

ClinVar aggregate classification (germline): Conflicting classifications of pathogenicity. Review status: criteria provided, conflicting classifications (1 of 4 stars). 4 submissions from 4 submitters: Likely pathogenic (2); Uncertain significance (1). 1 of the submissions does not count toward it. Last evaluated 2025-06-25.

Conditions:
Leukoencephalopathy with vanishing white matter 5 (VWM5). Also called: Leukoencephalopathy with vanishing white matter 5, with or without ovarian failure; EIF2B5-Related Childhood Ataxia with Central Nervous System Hypomyelination/Vanishing White Matter. Identifiers: MedGen C5779973, MONDO:0957873, OMIM 620315.

Allele frequency attached by ClinVar (database versions not stated): gnomAD exomes below 0.00001 and 0.00001.
gnomAD v4.1: 9 of 1,590,944 alleles (0.00057%); highest among the groups gnomAD compares: Non-Finnish European, 0.00077%; no homozygotes.

Submissions (4):

Women's Health and Genetics/Laboratory Corporation of America, LabCorp
Classification: Uncertain significance. Last evaluated: 2025-06-25. Review status: criteria provided, single submitter. Criteria: LabCorp Variant Classification Summary - May 2015. Collection method: clinical testing. Allele origin: germline.
Comment: Variant summary: EIF2B5 c.166T>G (p.Phe56Val) results in a non-conservative amino acid change located in the translation initiation factor eIF-2B subunit epsilon, N-terminal domain (IPR035543) of the encoded protein sequence. Algorithms developed to predict the effect of missense changes on protein structure and function all suggest that this variant is likely to be disruptive. The variant allele was found at a frequency of 4.8e-06 in 208642 control chromosomes. c.166T>G has been observed in two siblings affected with severe, infantile-onset central hypomyelination syndrome or vanishing white matter disease (Fogli_2004, Passemard_2007). These data indicate that the variant may be associated with disease. In vitro and in vivo functional assays shows reduced activity (50-90% of wild type) for the variant (Liu_2011). The following publications have been ascertained in the context of this evaluation (PMID: 23335982, 15054402, 17646634, 21560189). ClinVar contains an entry for this variant (Variation ID: 5951). Based on the evidence outlined above, the variant was classified as VUS-possibly pathogenic.

Fulgent Genetics
Classification: Likely pathogenic for Leukoencephalopathy with vanishing white matter 5. Last evaluated: 2024-06-19. Review status: criteria provided, single submitter. Criteria: ACMG Guidelines, 2015. Collection method: clinical testing. Allele origin: germline.

Labcorp Genetics (formerly Invitae), Labcorp
Classification: Likely pathogenic. Last evaluated: 2021-05-16. Review status: criteria provided, single submitter. Criteria: Invitae Variant Classification Sherloc (09022015). Collection method: clinical testing. Allele origin: germline.
Comment: In summary, the currently available evidence indicates that the variant is pathogenic, but additional data are needed to prove that conclusively. Therefore, this variant has been classified as Likely Pathogenic. Advanced modeling of protein sequence and biophysical properties (such as structural, functional, and spatial information, amino acid conservation, physicochemical variation, residue mobility, and thermodynamic stability) performed at Invitae indicates that this missense variant is expected to disrupt EIF2B5 protein function. This variant has been observed in individual(s) with EIF2B5-related conditions (PMID: 15136673). It has also been observed to segregate with disease in related individuals. ClinVar contains an entry for this variant (Variation ID: 5951). This variant is not present in population databases (ExAC no frequency). This sequence change replaces phenylalanine with valine at codon 56 of the EIF2B5 protein (p.Phe56Val). The phenylalanine residue is highly conserved and there is a small physicochemical difference between phenylalanine and valine.

OMIM
Classification: Pathogenic for LEUKOENCEPHALOPATHY WITH VANISHING WHITE MATTER 5. Last evaluated: 2007-07-24. Review status: no assertion criteria provided. Collection method: literature only. Allele origin: germline. Not counted in ClinVar's aggregate classification.

Literature cited by the submitters: PubMed 15054402 (cited by Women's Health and Genetics/Laboratory Corporation of America, LabCorp); PubMed 23335982 (cited by Women's Health and Genetics/Laboratory Corporation of America, LabCorp); PubMed 21560189 (cited by Women's Health and Genetics/Laboratory Corporation of America, LabCorp); PubMed 17646634 (cited by Women's Health and Genetics/Laboratory Corporation of America, LabCorp and OMIM); PubMed 15136673 (cited by Labcorp Genetics (formerly Invitae), Labcorp).

NM_003907.3(EIF2B5):c.166T>G (p.Phe56Val)

Genes: EIF2B5 (eukaryotic translation initiation factor 2B subunit epsilon; plus strand), LOC129938041 (ATAC-STARR-seq lymphoblastoid silent region 14954; plus strand). Cytogenetic location: 3q27.1.
Variant type: single nucleotide variant.
Coding change: c.166T>G on transcript NM_003907.3 (MANE Select); coding-DNA position 166, T replaced by G.
Protein change: p.Phe56Val; replaces phenylalanine 56 with valine.
Molecular consequence: missense variant.
Genome position (GRCh38, 1-based): chr3:184,135,551, T>G. VCF-style: chr3-184135551-T-G. GRCh37 (hg19) VCF-style: chr3-183853339-T-G.
Other names: short protein forms F56V.
Identifiers: ClinVar variation 5951 (VCV000005951.12), dbSNP rs113994043, ClinGen allele CA340482.